The following is an entry in ClinVar:

ClinVar aggregate classification (germline): Uncertain significance (1 of 4 stars; one submission).

Allele frequency attached by ClinVar (database versions not stated): gnomAD 0.00001; TOPMed 0.00004; 1000 Genomes Project 30x 0.00016; 1000 Genomes Project 0.00020.

Submission:

Labcorp Genetics (formerly Invitae), Labcorp
Classification: Uncertain significance. Last evaluated: 2023-08-01. Review status: criteria provided, single submitter. Criteria: Invitae Variant Classification Sherloc (09022015). Collection method: clinical testing. Allele origin: germline.
Comment: This sequence change replaces alanine, which is neutral and non-polar, with valine, which is neutral and non-polar, at codon 268 of the APOA4 protein (p.Ala268Val). This variant is present in population databases (rs567844533, gnomAD 0.009%). This variant has not been reported in the literature in individuals affected with APOA4-related conditions. Advanced modeling of protein sequence and biophysical properties (such as structural, functional, and spatial information, amino acid conservation, physicochemical variation, residue mobility, and thermodynamic stability) performed at Invitae indicates that this missense variant is not expected to disrupt APOA4 protein function. In summary, the available evidence is currently insufficient to determine the role of this variant in disease. Therefore, it has been classified as a Variant of Uncertain Significance.

NM_000482.4(APOA4):c.803C>T (p.Ala268Val)

Gene: APOA4 (apolipoprotein A4; minus strand). Cytogenetic location: 11q23.3.
Variant type: single nucleotide variant.
Coding change: c.803C>T on transcript NM_000482.4 (MANE Select); coding-DNA position 803, C replaced by T.
Protein change: p.Ala268Val; replaces alanine 268 with valine.
Molecular consequence: missense variant.
Genome position (GRCh38, 1-based): chr11:116,821,255, G>A on the plus strand (C>T on the coding strand, the complement: APOA4 is on the minus strand). VCF-style: chr11-116821255-G-A. GRCh37 (hg19) VCF-style: chr11-116691971-G-A.
Other names: short protein forms A268V.
Identifiers: ClinVar variation 2907020 (VCV002907020.3), dbSNP rs567844533, ClinGen allele CA6289308.